The following is an entry in ClinVar:

NM_198129.4(LAMA3):c.9236dup (p.Arg3081fs)

Gene: LAMA3 (laminin subunit alpha 3; plus strand). Cytogenetic location: 18q11.2.
Variant type: Duplication.
Coding change: c.9236dup on transcript NM_198129.4 (MANE Select); coding-DNA position 9236, one base duplicated (A; older notation c.9236dupA).
Protein change: p.Arg3081fs; shifts the reading frame from arginine 3081.
Molecular consequence: frameshift variant.
Genome position (GRCh38, 1-based): chr18:23,946,169, A duplicated; the last of 4 consecutive A bases (chr18:23,946,166-23,946,169); duplicating any one gives the same sequence. VCF-style (leftmost placement, unchanged base first): chr18-23946165-G-GA. GRCh37 (hg19) VCF-style: chr18-21526129-G-GA.
Other names: c.4409dup, p.Arg1472fs (NM_000227.6); c.9068dup, p.Arg3025fs (NM_001127717.4); c.4241dup, p.Arg1416fs (NM_001127718.4); short protein forms R1472fs, R3025fs, R3081fs, R1416fs.
Identifiers: ClinVar variation 1400822 (VCV001400822.6), dbSNP rs2145525803, ClinGen allele CA2573155148.

ClinVar aggregate classification (germline): Pathogenic (1 of 4 stars; one submission).

Submission:

Labcorp Genetics (formerly Invitae), Labcorp
Classification: Pathogenic. Last evaluated: 2021-06-12. Review status: criteria provided, single submitter. Criteria: Invitae Variant Classification Sherloc (09022015). Collection method: clinical testing. Allele origin: germline.
Comment: This sequence change creates a premature translational stop signal (p.Arg1472Alafs*83) in the LAMA3 gene. It is expected to result in an absent or disrupted protein product. Loss-of-function variants in LAMA3 are known to be pathogenic (PMID: 10366601, 11810295, 12915477, 16473856, 17362460, 22434185, 23869449, 27827380, 28087116). This variant is not present in population databases (ExAC no frequency). This variant has not been reported in the literature in individuals with LAMA3-related conditions. For these reasons, this variant has been classified as Pathogenic.

Literature cited by the submitters: PubMed 10366601; PubMed 11810295; PubMed 12915477; PubMed 16473856; PubMed 17362460; PubMed 22434185; PubMed 23869449; PubMed 27827380; PubMed 28087116.